The following is an entry in ClinVar:

NM_001371904.1(APOA5):c.820C>A (p.Pro274Thr)

Gene: APOA5 (apolipoprotein A5; minus strand). Cytogenetic location: 11q23.3.
Variant type: single nucleotide variant.
Coding change: c.820C>A on transcript NM_001371904.1 (MANE Select); coding-DNA position 820, C replaced by A.
Protein change: p.Pro274Thr; replaces proline 274 with threonine.
Molecular consequence: missense variant.
Genome position (GRCh38, 1-based): chr11:116,790,409, G>T on the plus strand (C>A on the coding strand, the complement: APOA5 is on the minus strand). VCF-style: chr11-116790409-G-T. GRCh37 (hg19) VCF-style: chr11-116661125-G-T.
Other names: c.820C>A, p.Pro274Thr (NM_001166598.2, NM_052968.5); short protein forms P274T.
Identifiers: ClinVar variation 1762466 (VCV001762466.2), dbSNP rs769276750, ClinGen allele CA382735851.

ClinVar aggregate classification (germline): Uncertain significance (1 of 4 stars; one submission).

Conditions:
Cardiovascular phenotype. Identifiers: MedGen CN230736.

gnomAD v4.1: 4 of 1,608,030 alleles (0.00025%); highest among the groups gnomAD compares: African/African-American, 0.0027%; no homozygotes.

Submission:

Ambry Genetics
Classification: Uncertain significance for Cardiovascular phenotype. Last evaluated: 2021-10-29. Review status: criteria provided, single submitter. Criteria: Ambry Variant Classification Scheme 2023. Collection method: clinical testing. Allele origin: germline.
Comment: The p.P274T variant (also known as c.820C>A), located in coding exon 3 of the APOA5 gene, results from a C to A substitution at nucleotide position 820. The proline at codon 274 is replaced by threonine, an amino acid with highly similar properties. This amino acid position is conserved. In addition, this alteration is predicted to be tolerated by in silico analysis. Since supporting evidence is limited at this time, the clinical significance of this alteration remains unclear.